The following is an entry in ClinVar:

ClinVar aggregate classification (germline): Uncertain significance. Review status: criteria provided, multiple submitters, no conflicts (2 of 4 stars). 4 submissions from 4 submitters: Uncertain significance (3). 1 of the submissions does not count toward it. Last evaluated 2026-06-05.

Conditions:
HERC1-related disorder. Also called: HERC1-related condition.

Allele frequency attached by ClinVar (database versions not stated): gnomAD exomes 0.00006 and 0.00015; ExAC 0.00014; ESP Exome Variant Server 0.00058; gnomAD 0.00062 and 0.00065; TOPMed 0.00065; 1000 Genomes Project 0.00080; 1000 Genomes Project 30x 0.00109.
gnomAD v4.1: 193 of 1,612,046 alleles (0.012%); highest among the groups gnomAD compares: African/African-American, 0.21%; 1 homozygote.

Submissions (4):

Women's Health and Genetics/Laboratory Corporation of America, LabCorp
Classification: Uncertain significance. Last evaluated: 2026-06-05. Review status: criteria provided, single submitter. Criteria: LabCorp Variant Classification Summary - May 2015. Collection method: clinical testing. Allele origin: germline.
Comment: Variant summary: HERC1 c.8542G>A (p.Gly2848Ser) results in a non-conservative amino acid change in the encoded protein sequence. Algorithms developed to predict the effect of missense changes on protein structure and function are either unavailable or do not agree on the potential impact of this missense change. The variant allele was found at a frequency of 0.00015 in 248154 control chromosomes. This frequency is not significantly higher than estimated for disease-causing variants in HERC1, allowing no conclusion about variant significance. To our knowledge, no occurrence of c.8542G>A in individuals affected with HERC1-related conditions and no experimental evidence demonstrating its impact on protein function have been reported. ClinVar contains an entry for this variant (Variation ID: 1203354). Based on the evidence outlined above, the variant was classified as uncertain significance.

Labcorp Genetics (formerly Invitae), Labcorp
Classification: Uncertain significance. Last evaluated: 2022-08-21. Review status: criteria provided, single submitter. Criteria: Invitae Variant Classification Sherloc (09022015). Collection method: clinical testing. Allele origin: germline.
Comment: This sequence change replaces glycine, which is neutral and non-polar, with serine, which is neutral and polar, at codon 2848 of the HERC1 protein (p.Gly2848Ser). This variant is present in population databases (rs79711865, gnomAD 0.2%). This variant has not been reported in the literature in individuals affected with HERC1-related conditions. ClinVar contains an entry for this variant (Variation ID: 1203354). Algorithms developed to predict the effect of missense changes on protein structure and function (SIFT, PolyPhen-2, Align-GVGD) all suggest that this variant is likely to be tolerated. In summary, the available evidence is currently insufficient to determine the role of this variant in disease. Therefore, it has been classified as a Variant of Uncertain Significance.

GeneDx
Classification: Uncertain significance. Last evaluated: 2019-07-29. Review status: criteria provided, single submitter. Criteria: GeneDx Variant Classification Process June 2021. Collection method: clinical testing. Allele origin: germline. Affected: yes.
Comment: In silico analysis, which includes protein predictors and evolutionary conservation, supports that this variant does not alter protein structure/function; Has not been previously published as pathogenic or benign to our knowledge

PreventionGenetics, part of Exact Sciences
Classification: Likely benign for HERC1-related condition. Last evaluated: 2022-02-07. Review status: no assertion criteria provided. Collection method: clinical testing. Allele origin: germline. Not counted in ClinVar's aggregate classification.
Comment: This variant is classified as likely benign based on ACMG/AMP sequence variant interpretation guidelines (Richards et al. 2015 PMID: 25741868, with internal and published modifications).

NM_003922.4(HERC1):c.8542G>A (p.Gly2848Ser)

Gene: HERC1 (HECT and RLD domain containing E3 ubiquitin protein ligase family member 1; minus strand). Cytogenetic location: 15q22.31.
Variant type: single nucleotide variant.
Coding change: c.8542G>A on transcript NM_003922.4 (MANE Select); coding-DNA position 8542, G replaced by A.
Protein change: p.Gly2848Ser; replaces glycine 2848 with serine.
Molecular consequence: missense variant.
Genome position (GRCh38, 1-based): chr15:63,665,932, C>T on the plus strand (G>A on the coding strand, the complement: HERC1 is on the minus strand). VCF-style: chr15-63665932-C-T. GRCh37 (hg19) VCF-style: chr15-63958131-C-T.
Other names: short protein forms G2848S.
Identifiers: ClinVar variation 1203354 (VCV001203354.11), dbSNP rs79711865, ClinGen allele CA7604921.